The following is an entry in ClinVar:

NM_000368.5(TSC1):c.2158C>G (p.Leu720Val)

Gene: TSC1 (TSC complex subunit 1; minus strand). Cytogenetic location: 9q34.13.
Variant type: single nucleotide variant.
Coding change: c.2158C>G on transcript NM_000368.5 (MANE Select); coding-DNA position 2158, C replaced by G.
Protein change: p.Leu720Val; replaces leucine 720 with valine.
Molecular consequence: missense variant. On other transcripts: non-coding transcript variant (4).
Genome position (GRCh38, 1-based): chr9:132,903,701, G>C on the plus strand (C>G on the coding strand, the complement: TSC1 is on the minus strand). VCF-style: chr9-132903701-G-C. GRCh37 (hg19) VCF-style: chr9-135779088-G-C.
Other names: c.2158C>G, p.Leu720Val (NM_001406593.1, NM_001406594.1, NM_001406595.1 and 5 more transcripts); c.2155C>G, p.Leu719Val (NM_001406597.1, NM_001406598.1, NM_001406599.1 and 4 more transcripts); c.2143C>G, p.Leu715Val (NM_001406601.1, NM_001406602.1); c.2002C>G, p.Leu668Val (NM_001406612.1, NM_001406613.1, NM_001406611.1); c.1795C>G, p.Leu599Val (NM_001406614.1, NM_001406615.1, NM_001406616.1 and 5 more transcripts); c.1792C>G, p.Leu598Val (NM_001406620.1, NM_001406621.1, NM_001406622.1 and 2 more transcripts); c.2005C>G, p.Leu669Val (NM_001162427.2, NM_001406610.1); c.2140C>G, p.Leu714Val (NM_001406603.1, NM_001406604.1); and 3 more; short protein forms L402V, L598V, L599V, L669V, L369V, L720V, L403V, L714V.
Identifiers: ClinVar variation 4709630 (VCV004709630.1).
Genomic context (GRCh38, chr9:132,903,701, plus strand): 5'-CAGTCCTCACCATGGCAGCATTATGTTCCTCCAGAGCTGCTGCTTTGATCACCTTGCGGA[G>C]GAGCCGCCTGTTCCGGAGGGCATGCTGCTGCCTCTTAAAACGCTCATAGAGTAACTGGTT-3'
Protein context (NP_000359.1, residues 710-730): QQHALRNRRL[Leu720Val]RKVIKAAALE

ClinVar aggregate classification (germline): Uncertain significance (1 of 4 stars; one submission).

Conditions:
Tuberous sclerosis 1 (TSC1). Identifiers: Orphanet 805, MedGen C1854465, MONDO:0008612, OMIM 191100.

Submission:

Labcorp Genetics (formerly Invitae), Labcorp
Classification: Uncertain significance for Tuberous sclerosis 1. Last evaluated: 2025-02-11. Review status: criteria provided, single submitter. Criteria: Invitae Variant Classification Sherloc (09022015). Collection method: clinical testing. Allele origin: germline.
Comment: This sequence change replaces leucine, which is neutral and non-polar, with valine, which is neutral and non-polar, at codon 720 of the TSC1 protein (p.Leu720Val). This variant is not present in population databases (gnomAD no frequency). This variant has not been reported in the literature in individuals affected with TSC1-related conditions. Invitae Evidence Modeling of protein sequence and biophysical properties (such as structural, functional, and spatial information, amino acid conservation, physicochemical variation, residue mobility, and thermodynamic stability) indicates that this missense variant is not expected to disrupt TSC1 protein function with a negative predictive value of 95%. In summary, the available evidence is currently insufficient to determine the role of this variant in disease. Therefore, it has been classified as a Variant of Uncertain Significance.